The following is an entry in ClinVar:

NM_005529.7(HSPG2):c.9621G>A (p.Met3207Ile)

Gene: HSPG2 (heparan sulfate proteoglycan 2; minus strand). Cytogenetic location: 1p36.12.
Variant type: single nucleotide variant.
Coding change: c.9621G>A on transcript NM_005529.7 (MANE Select); coding-DNA position 9621, G replaced by A.
Protein change: p.Met3207Ile; replaces methionine 3207 with isoleucine.
Molecular consequence: missense variant.
Genome position (GRCh38, 1-based): chr1:21,839,910, C>T on the plus strand (G>A on the coding strand, the complement: HSPG2 is on the minus strand). VCF-style: chr1-21839910-C-T. GRCh37 (hg19) VCF-style: chr1-22166403-C-T.
Other names: c.9624G>A, p.Met3208Ile (NM_001291860.2); short protein forms M3207I, M3208I.
Identifiers: ClinVar variation 3622337 (VCV003622337.2).

ClinVar aggregate classification (germline): Uncertain significance (1 of 4 stars; one submission).

Submission:

Labcorp Genetics (formerly Invitae), Labcorp
Classification: Uncertain significance. Last evaluated: 2024-03-27. Review status: criteria provided, single submitter. Criteria: Invitae Variant Classification Sherloc (09022015). Collection method: clinical testing. Allele origin: germline.
Comment: This sequence change replaces methionine, which is neutral and non-polar, with isoleucine, which is neutral and non-polar, at codon 3207 of the HSPG2 protein (p.Met3207Ile). This variant is not present in population databases (gnomAD no frequency). This variant has not been reported in the literature in individuals affected with HSPG2-related conditions. An algorithm developed to predict the effect of missense changes on protein structure and function (PolyPhen-2) suggests that this variant is likely to be tolerated. In summary, the available evidence is currently insufficient to determine the role of this variant in disease. Therefore, it has been classified as a Variant of Uncertain Significance.